The following is an entry in ClinVar:

ClinVar aggregate classification (germline): Uncertain significance (1 of 4 stars; one submission).

Conditions:
Multiple endocrine neoplasia, type 1 (MEN1). Also called: MEN I; WERMER SYNDROME; Endocrine adenomatosis multiple; MEN 1; MEA I. Identifiers: Orphanet 652, MedGen C0025267, MeSH D018761, MONDO:0007540, OMIM 131100.

Submission:

Labcorp Genetics (formerly Invitae), Labcorp
Classification: Uncertain significance for Multiple endocrine neoplasia, type 1. Last evaluated: 2021-05-27. Review status: criteria provided, single submitter. Criteria: Invitae Variant Classification Sherloc (09022015). Collection method: clinical testing. Allele origin: germline.
Comment: This variant has not been reported in the literature in individuals with MEN1-related conditions. In summary, the available evidence is currently insufficient to determine the role of this variant in disease. Therefore, it has been classified as a Variant of Uncertain Significance. Algorithms developed to predict the effect of missense changes on protein structure and function are either unavailable or do not agree on the potential impact of this missense change (SIFT: "Deleterious"; PolyPhen-2: "Possibly Damaging"; Align-GVGD: "Class C0"). This variant is not present in population databases (ExAC no frequency). This sequence change replaces valine with alanine at codon 367 of the MEN1 protein (p.Val367Ala). The valine residue is moderately conserved and there is a small physicochemical difference between valine and alanine.

NM_001370259.2(MEN1):c.1100T>C (p.Val367Ala)

Gene: MEN1 (menin 1; minus strand). Cytogenetic location: 11q13.1.
Variant type: single nucleotide variant.
Coding change: c.1100T>C on transcript NM_001370259.2 (MANE Select); coding-DNA position 1100, T replaced by C.
Protein change: p.Val367Ala; replaces valine 367 with alanine.
Molecular consequence: missense variant.
Genome position (GRCh38, 1-based): chr11:64,805,720, A>G on the plus strand (T>C on the coding strand, the complement: MEN1 is on the minus strand). VCF-style: chr11-64805720-A-G. GRCh37 (hg19) VCF-style: chr11-64573192-A-G.
Other names: c.1115T>C, p.Val372Ala (NM_130801.3, NM_130802.3, NM_130803.3 and 3 more transcripts); c.1226T>C, p.Val409Ala (NM_001370251.2); c.1100T>C, p.Val367Ala (NM_001370260.2, NM_001370261.2, NM_130799.3); c.995T>C, p.Val332Ala (NM_001370262.2, NM_001370263.2); short protein forms V332A, V372A, V367A, V409A.
Identifiers: ClinVar variation 1473656 (VCV001473656.8), dbSNP rs2136110269, ClinGen allele CA381182631.